The following is an entry in ClinVar:

NM_024422.6(DSC2):c.860A>G (p.Gln287Arg)

Gene: DSC2 (desmocollin 2; minus strand). Cytogenetic location: 18q12.1.
Variant type: single nucleotide variant.
Coding change: c.860A>G on transcript NM_024422.6 (MANE Select); coding-DNA position 860, A replaced by G.
Protein change: p.Gln287Arg; replaces glutamine 287 with arginine.
Molecular consequence: missense variant.
Genome position (GRCh38, 1-based): chr18:31,086,658, T>C on the plus strand (A>G on the coding strand, the complement: DSC2 is on the minus strand). VCF-style: chr18-31086658-T-C. GRCh37 (hg19) VCF-style: chr18-28666621-T-C.
Other names: c.860A>G, p.Gln287Arg (NM_004949.5); short protein forms Q287R.
Identifiers: ClinVar variation 1171919 (VCV001171919.4), dbSNP rs748657811, ClinGen allele CA040324.
Genomic context (GRCh38, chr18:31,086,658, plus strand): 5'-GTTGTGGTGATCACGCCTGTAGTTGGATGCATAGAAAATAGGGTGGGTGATGGTGGCACC[T>C]GCCCAATGATGGAGTACTTCAGGCGTGTGTGCATCGTGTCAGGCTCATCTTTGTCAGTAG-3'
Protein context (NP_077740.1, residues 277-297): HTRLKYSIIG[Gln287Arg]VPPSPTLFSM

ClinVar aggregate classification (germline): Uncertain significance. Review status: criteria provided, multiple submitters, no conflicts (2 of 4 stars). 2 submissions from 2 submitters: Uncertain significance (2). Last evaluated 2024-08-06.

Conditions:
Familial isolated arrhythmogenic right ventricular dysplasia. Identifiers: Orphanet 217656, MedGen C4274968, MONDO:0016342.
Cardiomyopathy (CMYO). Also called: Cardiomyopathies. Identifiers: Orphanet 167848, MedGen C0878544, MONDO:0004994, HP:0001638. Inheritance: Various modes of inheritance.

Submissions (2):

All of Us Research Program, National Institutes of Health
Classification: Uncertain significance for Familial isolated arrhythmogenic right ventricular dysplasia. Last evaluated: 2024-08-06. Review status: criteria provided, single submitter. Criteria: ACMG Guidelines, 2015. Collection method: clinical testing. Allele origin: germline. Inheritance: Autosomal dominant inheritance. Observed: 1 variant allele, 1 heterozygote.
Comment: This missense variant replaces glutamine with arginine at codon 287 of the DSC2 protein. Computational prediction suggests that this variant may not impact protein structure and function (internally defined REVEL score threshold <= 0.5, PMID: 27666373). To our knowledge, functional studies have not been reported for this variant. This variant has not been reported in individuals affected with cardiovascular disorders in the literature. This variant has not been identified in the general population by the Genome Aggregation Database (gnomAD). The available evidence is insufficient to determine the role of this variant in disease conclusively. Therefore, this variant is classified as a Variant of Uncertain Significance.

This study involves interpretation of variants in research participants for the purpose of population health screening. Participant phenotype was not available at the time of variant classification. Additional details can be found in publication PMID: 35346344, PMCID: PMC8962531

Color Diagnostics, LLC DBA Color Health
Classification: Uncertain significance for Cardiomyopathy. Last evaluated: 2024-03-06. Review status: criteria provided, single submitter. Criteria: ACMG Guidelines, 2015. Collection method: clinical testing. Allele origin: germline.
Comment: This missense variant replaces glutamine with arginine at codon 287 of the DSC2 protein. Computational prediction suggests that this variant may not impact protein structure and function (internally defined REVEL score threshold <= 0.5, PMID: 27666373). To our knowledge, functional studies have not been reported for this variant. This variant has not been reported in individuals affected with cardiovascular disorders in the literature. This variant has not been identified in the general population by the Genome Aggregation Database (gnomAD). The available evidence is insufficient to determine the role of this variant in disease conclusively. Therefore, this variant is classified as a Variant of Uncertain Significance.